The following is an entry in ClinVar:

NM_000051.4(ATM):c.3091G>T (p.Glu1031Ter)

Gene: ATM (ATM serine/threonine kinase; plus strand). Cytogenetic location: 11q22.3.
Variant type: single nucleotide variant.
Coding change: c.3091G>T on transcript NM_000051.4 (MANE Select); coding-DNA position 3091, G replaced by T.
Protein change: p.Glu1031Ter; replaces glutamic acid 1031 with a stop codon.
Molecular consequence: nonsense.
Genome position (GRCh38, 1-based): chr11:108,272,545, G>T. VCF-style: chr11-108272545-G-T. GRCh37 (hg19) VCF-style: chr11-108143272-G-T.
Other names: c.3091G>T, p.Glu1031Ter (NM_001351834.2); short protein forms E1031*.
Identifiers: ClinVar variation 5031466 (VCV005031466.1).

ClinVar aggregate classification (germline): Pathogenic (1 of 4 stars; one submission).

Conditions:
Hereditary cancer-predisposing syndrome. Also called: Neoplastic Syndromes, Hereditary; Tumor predisposition; Hereditary neoplastic syndrome; Hereditary Cancer Syndrome. Identifiers: Orphanet 140162, MedGen C0027672, MeSH D009386, MONDO:0015356.

Submission:

Ambry Genetics
Classification: Pathogenic for Hereditary cancer-predisposing syndrome. Last evaluated: 2026-07-09. Review status: criteria provided, single submitter. Criteria: Ambry Variant Classification Scheme 2023. Collection method: clinical testing. Allele origin: germline.
Comment: The p.E1031* pathogenic mutation (also known as c.3091G>T), located in coding exon 20 of the ATM gene, results from a G to T substitution at nucleotide position 3091. This changes the amino acid from a glutamic acid to a stop codon within coding exon 20. This variant is considered to be rare based on population cohorts in the Genome Aggregation Database (gnomAD). This variant is expected to result in loss of function by premature protein truncation or nonsense-mediated mRNA decay. As such, this variant is interpreted as a disease-causing mutation.